The following is an entry in ClinVar:

NM_014334.4(FRRS1L):c.725A>G (p.His242Arg)

Gene: FRRS1L (ferric chelate reductase 1 like; minus strand). Cytogenetic location: 9q31.3.
Variant type: single nucleotide variant.
Coding change: c.725A>G on transcript NM_014334.4 (MANE Select); coding-DNA position 725, A replaced by G.
Protein change: p.His242Arg; replaces histidine 242 with arginine.
Molecular consequence: missense variant.
Genome position (GRCh38, 1-based): chr9:109,137,612, T>C on the plus strand (A>G on the coding strand, the complement: FRRS1L is on the minus strand). VCF-style: chr9-109137612-T-C. GRCh37 (hg19) VCF-style: chr9-111899892-T-C.
Other names: c.878A>G (NM_014334.2); short protein forms H242R.
Identifiers: ClinVar variation 2745526 (VCV002745526.5), dbSNP rs770493509, ClinGen allele CA5177328.

ClinVar aggregate classification (germline): Uncertain significance. Review status: criteria provided, multiple submitters, no conflicts (2 of 4 stars). 3 submissions from 3 submitters: Uncertain significance (3). Last evaluated 2025-12-22.

Conditions:
Developmental and epileptic encephalopathy, 37 (DEE37). Also called: Epileptic encephalopathy, early infantile, 37. Identifiers: MedGen C4310770, MONDO:0014859, OMIM 616981.
Inborn genetic diseases. Identifiers: MedGen C0950123, MeSH D030342.

Allele frequency attached by ClinVar (database versions not stated): gnomAD 0.00001; TOPMed 0.00001; ExAC 0.00001; gnomAD exomes below 0.00001.
gnomAD v4.1: 7 of 1,588,790 alleles (0.00044%); highest among the groups gnomAD compares: Non-Finnish European, 0.0006%; no homozygotes.

Submissions (3):

Labcorp Genetics (formerly Invitae), Labcorp
Classification: Uncertain significance for Developmental and epileptic encephalopathy, 37. Last evaluated: 2025-12-22. Review status: criteria provided, single submitter. Criteria: Invitae Variant Classification Sherloc (09022015). Collection method: clinical testing. Allele origin: germline.
Comment: This sequence change replaces histidine, which is basic and polar, with arginine, which is basic and polar, at codon 293 of the FRRS1L protein (p.His293Arg). This variant is present in population databases (rs770493509, gnomAD 0.002%). This variant has not been reported in the literature in individuals affected with FRRS1L-related conditions. ClinVar contains an entry for this variant (Variation ID: 2745526). An algorithm developed to predict the effect of missense changes on protein structure and function (PolyPhen-2) suggests that this variant is likely to be disruptive. In summary, the available evidence is currently insufficient to determine the role of this variant in disease. Therefore, it has been classified as a Variant of Uncertain Significance.

Ambry Genetics
Classification: Uncertain significance for Inborn genetic diseases. Last evaluated: 2025-08-04. Review status: criteria provided, single submitter. Criteria: Ambry Variant Classification Scheme 2023. Collection method: clinical testing. Allele origin: germline.

Department of Neurology, Xi'an Children's Hospital
Classification: Uncertain significance for Developmental and epileptic encephalopathy, 37. Review status: criteria provided, single submitter. Criteria: ACMG Guidelines, 2015. Collection method: clinical testing. Allele origin: unknown. Affected: yes.
Comment: The NM_014334.4 c.725A>G, is a missense variant in FRRS1L. This variant was not found in public population databases such as 1000Genomes and gnomAD (PM2_supporting). The protein function was predicted through multiple tools including SIFT, Polyphen2, REVEL and CADD, supporting the pathogenicity of this variant (PP3). In summary, this variant meets criteria to be classified as "variant of uncertain significance" for developmental and epileptic encephalopathy 37 (DEE37) based on the ACMG/AMP guidelines.

Literature cited by the submitters: PubMed 27236917 (cited by Department of Neurology, Xi'an Children's Hospital); PubMed 30692144 (cited by Department of Neurology, Xi'an Children's Hospital); PubMed 35815844 (cited by Department of Neurology, Xi'an Children's Hospital); PubMed 34483011 (cited by Department of Neurology, Xi'an Children's Hospital).